The following is an entry in ClinVar:

ClinVar aggregate classification (germline): Benign/Likely benign. Review status: criteria provided, multiple submitters, no conflicts (2 of 4 stars). 9 submissions from 9 submitters: Benign (5); Likely benign (1). 3 of the submissions do not count toward it. Last evaluated 2026-02-03.

Conditions:
Cardiovascular phenotype. Identifiers: MedGen CN230736.
Long QT syndrome 10 (LQT10). Identifiers: Orphanet 101016, Orphanet 768, MedGen C2678484, MONDO:0012737, OMIM 611819.

Allele frequency attached by ClinVar (database versions not stated): 1000 Genomes Project 0.00060; 1000 Genomes Project 30x 0.00078; ExAC 0.00278; gnomAD exomes 0.00283 and 0.00509; gnomAD 0.00328 and 0.00341; TOPMed 0.00339; ESP Exome Variant Server 0.00377.
gnomAD v4.1: 7,803 of 1,613,988 alleles (0.48%); highest among the groups gnomAD compares: Non-Finnish European, 0.62%; 20 homozygotes.

Submissions (9):

Labcorp Genetics (formerly Invitae), Labcorp
Classification: Benign for Long QT syndrome 10. Last evaluated: 2026-02-03. Review status: criteria provided, single submitter. Criteria: Invitae Variant Classification Sherloc (09022015). Collection method: clinical testing. Allele origin: germline.

Blueprint Genetics
Classification: Likely benign. Last evaluated: 2024-11-26. Review status: criteria provided, single submitter. Criteria: ACMG Guidelines, 2015. Collection method: clinical testing. Allele origin: germline.

ARUP Laboratories, Molecular Genetics and Genomics, ARUP Laboratories
Classification: Benign. Last evaluated: 2021-10-21. Review status: criteria provided, single submitter. Criteria: ARUP Molecular Germline Variant Investigation Process 2021. Collection method: clinical testing. Allele origin: germline.

Fulgent Genetics
Classification: Benign for Long QT syndrome 10. Last evaluated: 2021-07-27. Review status: criteria provided, single submitter. Criteria: ACMG Guidelines, 2015. Collection method: clinical testing. Allele origin: unknown.

Ambry Genetics
Classification: Benign for Cardiovascular phenotype. Last evaluated: 2016-08-16. Review status: criteria provided, single submitter. Criteria: Ambry Variant Classification Scheme 2023. Collection method: clinical testing. Allele origin: germline.

GeneDx
Classification: Benign. Last evaluated: 2011-07-10. Review status: criteria provided, single submitter. Criteria: GeneDx Variant Classification (06012015). Collection method: clinical testing. Allele origin: germline. Affected: yes.
Comment: This variant is considered likely benign or benign based on one or more of the following criteria: it is a conservative change, it occurs at a poorly conserved position in the protein, it is predicted to be benign by multiple in silico algorithms, and/or has population frequency not consistent with disease.

Clinical Genetics, Academic Medical Center
Classification: Benign. Review status: no assertion criteria provided. Collection method: clinical testing. Allele origin: germline. Affected: yes. Study: VKGL Data-share Consensus. Not counted in ClinVar's aggregate classification.

Genome Diagnostics Laboratory, University Medical Center Utrecht
Classification: Benign. Review status: no assertion criteria provided. Collection method: clinical testing. Allele origin: germline. Affected: yes. Study: VKGL Data-share Consensus. Not counted in ClinVar's aggregate classification.

Joint Genome Diagnostic Labs from Nijmegen and Maastricht, Radboudumc and MUMC+
Classification: Benign. Review status: no assertion criteria provided. Collection method: clinical testing. Allele origin: germline. Affected: yes. Study: VKGL Data-share Consensus. Not counted in ClinVar's aggregate classification.

NM_174934.4(SCN4B):c.639C>T (p.Asn213=)

Gene: SCN4B (sodium voltage-gated channel beta subunit 4; minus strand). Cytogenetic location: 11q23.3.
Variant type: single nucleotide variant.
Coding change: c.639C>T on transcript NM_174934.4 (MANE Select); coding-DNA position 639, C replaced by T.
Protein change: p.Asn213=; no amino-acid change (asparagine 213 retained).
Molecular consequence: synonymous variant. On other transcripts: non-coding transcript variant (1).
Genome position (GRCh38, 1-based): chr11:118,137,075, G>A on the plus strand (C>T on the coding strand, the complement: SCN4B is on the minus strand). VCF-style: chr11-118137075-G-A. GRCh37 (hg19) VCF-style: chr11-118007790-G-A.
Other names: p.N213N:AAC>AAT; c.237C>T, p.Asn79= (NM_001142348.2); c.309C>T, p.Asn103= (NM_001142349.2).
Identifiers: ClinVar variation 139036 (VCV000139036.31), dbSNP rs72544155, ClinGen allele CA293304.